The following is an entry in ClinVar:

NM_005228.5(EGFR):c.1024A>C (p.Ile342Leu)

Genes: EGFR (epidermal growth factor receptor; plus strand), LOC126860048 (P300/CBP strongly-dependent group 1 enhancer GRCh37_chr7:55223847-55225046; plus strand). Cytogenetic location: 7p11.2.
Variant type: single nucleotide variant.
Coding change: c.1024A>C on transcript NM_005228.5 (MANE Select); coding-DNA position 1024, A replaced by C.
Protein change: p.Ile342Leu; replaces isoleucine 342 with leucine.
Molecular consequence: missense variant.
Genome position (GRCh38, 1-based): chr7:55,156,550, A>C. VCF-style: chr7-55156550-A-C. GRCh37 (hg19) VCF-style: chr7-55224243-A-C.
Other names: c.889A>C, p.Ile297Leu (NM_001346897.2, NM_001346899.2); c.1024A>C, p.Ile342Leu (NM_001346898.2, NM_201282.2, NM_201283.2 and 1 more transcripts); c.865A>C, p.Ile289Leu (NM_001346900.2); c.223A>C, p.Ile75Leu (NM_001346941.2); short protein forms I297L, I342L, I75L, I289L.
Identifiers: ClinVar variation 962021 (VCV000962021.11), dbSNP rs1284204782, ClinGen allele CA367578220.

ClinVar aggregate classification (germline): Uncertain significance. Review status: criteria provided, multiple submitters, no conflicts (2 of 4 stars). 2 submissions from 2 submitters: Uncertain significance (2). Last evaluated 2026-01-30.

Conditions:
Hereditary cancer-predisposing syndrome. Also called: Tumor predisposition; Hereditary neoplastic syndrome; Hereditary Cancer Syndrome; Neoplastic Syndromes, Hereditary. Identifiers: Orphanet 140162, MedGen C0027672, MeSH D009386, MONDO:0015356.
EGFR-related lung cancer (EGFR). Identifiers: MedGen CN130014.

Allele frequency attached by ClinVar (database versions not stated): gnomAD 0.00001; gnomAD exomes 0.00001; TOPMed 0.00001.
gnomAD v4.1: 9 of 1,614,114 alleles (0.00056%); highest among the groups gnomAD compares: African/African-American, 0.004%; no homozygotes.

Submissions (2):

Ambry Genetics
Classification: Uncertain significance for Hereditary cancer-predisposing syndrome. Last evaluated: 2026-01-30. Review status: criteria provided, single submitter. Criteria: Ambry Variant Classification Scheme 2023. Collection method: clinical testing. Allele origin: germline.
Comment: The p.I342L variant (also known as c.1024A>C), located in coding exon 9 of the EGFR gene, results from an A to C substitution at nucleotide position 1024. The isoleucine at codon 342 is replaced by leucine, an amino acid with highly similar properties. This amino acid position is not well conserved in available vertebrate species. In addition, this alteration is predicted to be tolerated by in silico analysis. Based on the available evidence, the clinical significance of this variant remains unclear.

Labcorp Genetics (formerly Invitae), Labcorp
Classification: Uncertain significance for EGFR-related lung cancer. Last evaluated: 2025-07-03. Review status: criteria provided, single submitter. Criteria: Invitae Variant Classification Sherloc (09022015). Collection method: clinical testing. Allele origin: germline.
Comment: This sequence change replaces isoleucine, which is neutral and non-polar, with leucine, which is neutral and non-polar, at codon 342 of the EGFR protein (p.Ile342Leu). This variant is present in population databases (no rsID available, gnomAD 0.007%). This variant has not been reported in the literature in individuals affected with EGFR-related conditions. ClinVar contains an entry for this variant (Variation ID: 962021). Invitae Evidence Modeling of protein sequence and biophysical properties (such as structural, functional, and spatial information, amino acid conservation, physicochemical variation, residue mobility, and thermodynamic stability) indicates that this missense variant is not expected to disrupt EGFR protein function with a negative predictive value of 80%. In summary, the available evidence is currently insufficient to determine the role of this variant in disease. Therefore, it has been classified as a Variant of Uncertain Significance.